The following is an entry in ClinVar:

NM_001267550.2(TTN):c.39715G>T (p.Glu13239Ter)

Gene: TTN (titin; minus strand). Cytogenetic location: 2q31.2.
Variant type: single nucleotide variant.
Coding change: c.39715G>T on transcript NM_001267550.2 (MANE Select); coding-DNA position 39715, G replaced by T.
Protein change: p.Glu13239Ter; replaces glutamic acid 13239 with a stop codon.
Molecular consequence: nonsense. On other transcripts: intron variant (3).
Genome position (GRCh38, 1-based): chr2:178,650,266, C>A on the plus strand (G>T on the coding strand, the complement: TTN is on the minus strand). VCF-style: chr2-178650266-C-A. GRCh37 (hg19) VCF-style: chr2-179514993-C-A.
Other names: c.35194G>T, p.Glu11732Ter (NM_001256850.1); c.32413G>T, p.Glu10805Ter (NM_133378.4); c.13283-7949G>T (NM_003319.4); c.13859-7949G>T (NM_133437.4); c.13658-7949G>T (NM_133432.3); short protein forms E10805*, E11732*, E13239*.
Identifiers: ClinVar variation 1683393 (VCV001683393.5), dbSNP rs879110681, ClinGen allele CA60967205.
Genomic context (GRCh38, chr2:178,650,266, plus strand): 5'-GAACTGGCTTTTCCTCTTCAGGAGCAATTTCCTCTTCAGGAGCAATTTCCTCAGGTTCTT[C>A]ATATACTTTAAAGATATTAGTTAATTTTATTTCAATGTATGGAACAATATTCTAAGATGG-3'

ClinVar aggregate classification (germline): Likely pathogenic. Review status: criteria provided, multiple submitters, no conflicts (2 of 4 stars). 2 submissions from 2 submitters: Likely pathogenic (2). Last evaluated 2025-01-16.

Conditions:
Dilated cardiomyopathy 1G (CMD1G). Identifiers: Orphanet 154, MedGen C1858763, MONDO:0011400, OMIM 604145.
Autosomal recessive limb-girdle muscular dystrophy type 2J (LGMDR10). Also called: Limb-girdle muscular dystrophy, type 2J; MUSCULAR DYSTROPHY, LIMB-GIRDLE, AUTOSOMAL RECESSIVE 10. Identifiers: Orphanet 140922, MedGen C1837342, MONDO:0012127, OMIM 608807.

Allele frequency attached by ClinVar (database versions not stated): gnomAD exomes below 0.00001; gnomAD 0.00001; TOPMed 0.00001.
gnomAD v4.1: 2 of 1,573,240 alleles (0.00013%); highest among the groups gnomAD compares: Non-Finnish European, 0.00017%; no homozygotes.

Submissions (2):

Women's Health and Genetics/Laboratory Corporation of America, LabCorp
Classification: Likely pathogenic for Autosomal recessive limb-girdle muscular dystrophy type 2J. Last evaluated: 2025-01-16. Review status: criteria provided, single submitter. Criteria: LabCorp Variant Classification Summary - May 2015. Collection method: clinical testing. Allele origin: germline.
Comment: Variant summary: TTN NM_133378:c.32413G>T (p.Glu10805X) (also known as NM_001267550:c.39715G>T (p.Glu13239X)) results in a premature termination codon, predicted to cause a truncation of the encoded protein or absence of the protein due to nonsense mediated decay, which are commonly known mechanisms for disease. Loss of function variants in all TTN bands are strongly associated with a spectrum of autosomal recessive titinopathies when exon expression (proportion spliced in, PSI, 1=complete expression) in skeletal muscle is >0.1 (PMID: 36977548, 39198997, 29598826, 32778822, 29691892, 33449170, 36977548, internal data). In contrast, loss of function variants in all TTN bands are only strongly associated with autosomal dominant TTN-related cardiomyopathies if located in exons constitutively expressed (PSI >0.9) in cardiac muscle, excluding extreme C-terminal exons 359-363 (PMID: 25589632, 31216868, 32964742, 34662387, 27869827, Shetty et al., Nat Cardiovasc Res 2024,, internal data). This variant has a maximum skeletal muscle PSI of 0.884 and a maximum cardiac muscle PSI of 0.070. The variant was absent in 182958 control chromosomes. To our knowledge, no occurrence of c.32413G>T in individuals affected with TTN-related conditions and no experimental evidence demonstrating its impact on protein function have been reported. ClinVar contains an entry for this variant (Variation ID: 1683393). Based on the evidence outlined above, the variant was classified as likely pathogenic for autosomal recessive TTN-related conditions.

Labcorp Genetics (formerly Invitae), Labcorp
Classification: Likely pathogenic for Dilated cardiomyopathy 1G; Autosomal recessive limb-girdle muscular dystrophy type 2J. Last evaluated: 2024-02-22. Review status: criteria provided, single submitter. Criteria: Invitae Variant Classification Sherloc (09022015). Collection method: clinical testing. Allele origin: germline.
Comment: This sequence change creates a premature translational stop signal (p.Glu13239*) in the TTN gene. While this is not anticipated to result in nonsense mediated decay, it is expected to create a truncated TTN protein. This variant is not present in population databases (gnomAD no frequency). This variant has not been reported in the literature in individuals affected with TTN-related conditions. ClinVar contains an entry for this variant (Variation ID: 1683393). This variant is located in the I band of TTN (PMID: 25589632). Truncating variants in this region have been reported in individuals affected with autosomal recessive centronuclear myopathy (PMID: 23975875, Invitae internal data). Truncating variants in this region have also been identified in individuals affected with autosomal dominant dilated cardiomyopathy and/or cardio-related conditions (PMID: 27869827, 32964742, Invitae internal data). In summary, the currently available evidence indicates that the variant is pathogenic, but additional data are needed to prove that conclusively. Therefore, this variant has been classified as Likely Pathogenic.

Literature cited by the submitters: PubMed 25589632 (cited by Labcorp Genetics (formerly Invitae), Labcorp); PubMed 23975875 (cited by Labcorp Genetics (formerly Invitae), Labcorp); PubMed 27869827 (cited by Labcorp Genetics (formerly Invitae), Labcorp); PubMed 32964742 (cited by Labcorp Genetics (formerly Invitae), Labcorp).